The following is an entry in ClinVar:

NM_015338.6(ASXL1):c.1832C>G (p.Ala611Gly)

Gene: ASXL1 (ASXL transcriptional regulator 1; plus strand). Cytogenetic location: 20q11.21.
Variant type: single nucleotide variant.
Coding change: c.1832C>G on transcript NM_015338.6 (MANE Select); coding-DNA position 1832, C replaced by G.
Protein change: p.Ala611Gly; replaces alanine 611 with glycine.
Molecular consequence: missense variant.
Genome position (GRCh38, 1-based): chr20:32,434,544, C>G. VCF-style: chr20-32434544-C-G. GRCh37 (hg19) VCF-style: chr20-31022347-C-G.
Other names: c.1649C>G, p.Ala550Gly (NM_001363734.1); short protein forms A611G, A550G.
Identifiers: ClinVar variation 3957058 (VCV003957058.1).
Genomic context (GRCh38, chr20:32,434,544, plus strand): 5'-ACCAGATATGCCCCCGGATCATCCCCACCACGGAGTCCTCCTGCCGGGGTTGGACTGGCG[C>G]CAGGACCCTCGCAGACATTAAAGCCCGTGCTCTGCAGGTCCGAGGGGCGAGAGGTCACCA-3'
Protein context (NP_056153.2, residues 601-621): TESSCRGWTG[Ala611Gly]RTLADIKARA

ClinVar aggregate classification (germline): Uncertain significance (1 of 4 stars; one submission).

Conditions:
Inborn genetic diseases. Identifiers: MedGen C0950123, MeSH D030342.

Submission:

Ambry Genetics
Classification: Uncertain significance for Inborn genetic diseases. Last evaluated: 2025-05-18. Review status: criteria provided, single submitter. Criteria: Ambry Variant Classification Scheme 2023. Collection method: clinical testing. Allele origin: germline.
Comment: The p.A611G variant (also known as c.1832C>G), located in coding exon 13 of the ASXL1 gene, results from a C to G substitution at nucleotide position 1832. The alanine at codon 611 is replaced by glycine, an amino acid with similar properties. This amino acid position is conserved. In addition, this alteration is predicted to be tolerated by in silico analysis. Based on the available evidence, the clinical significance of this variant remains unclear.